The following is an entry in ClinVar:

NM_001110556.2(FLNA):c.7388C>T (p.Ser2463Leu)

Gene: FLNA (filamin A; minus strand). Cytogenetic location: Xq28.
Variant type: single nucleotide variant.
Coding change: c.7388C>T on transcript NM_001110556.2 (MANE Select); coding-DNA position 7388, C replaced by T.
Protein change: p.Ser2463Leu; replaces serine 2463 with leucine.
Molecular consequence: missense variant.
Genome position (GRCh38, 1-based): chrX:154,349,813, G>A on the plus strand (C>T on the coding strand, the complement: FLNA is on the minus strand). VCF-style: chrX-154349813-G-A. GRCh37 (hg19) VCF-style: chrX-153578181-G-A.
Other names: c.7364C>T, p.Ser2455Leu (NM_001456.4); short protein forms S2463L, S2455L.
Identifiers: ClinVar variation 566993 (VCV000566993.12), dbSNP rs1460574102, ClinGen allele CA415182846.

ClinVar aggregate classification (germline): Uncertain significance. Review status: criteria provided, multiple submitters, no conflicts (2 of 4 stars). 2 submissions from 2 submitters: Uncertain significance (2). Last evaluated 2025-09-03.

Conditions:
Heterotopia, periventricular, X-linked dominant (PVNH1). Also called: PERIVENTRICULAR NODULAR HETEROTOPIA 4; HETEROTOPIA, PERIVENTRICULAR, 1; PERIVENTRICULAR NODULAR HETEROTOPIA 1; X-linked periventricular heterotopia. Identifiers: Orphanet 2149, Orphanet 82004, MedGen C1848213, MONDO:0010233, OMIM 300049.
Melnick-Needles syndrome (MNS). Also called: Melnick-Needles Syndrome (FLNA-MNS); MELNICK-NEEDLES OSTEODYSPLASTY; OSTEODYSPLASTY OF MELNICK AND NEEDLES. Identifiers: Orphanet 2484, MedGen C0025237, MONDO:0010650, OMIM 309350.
Frontometaphyseal dysplasia (FMD1). Identifiers: Orphanet 1826, MedGen C0265293, MONDO:0015942.
Oto-palato-digital syndrome, type II (OPD2). Also called: Otopalatodigital Syndrome Type 2 (FLNA-OPD2); Otopalatodigital Syndrome, Type II; FACIOPALATOOSSEOUS SYNDROME; OPD II SYNDROME. Identifiers: Orphanet 669, Orphanet 90652, MedGen C1844696, MONDO:0010571, OMIM 304120.
Familial thoracic aortic aneurysm and aortic dissection (TAAD). Also called: Thoracic aortic aneurysms and dissections. Identifiers: Orphanet 91387, MedGen C4707243, MONDO:0019625.

Allele frequency attached by ClinVar (database versions not stated): gnomAD exomes below 0.00001; gnomAD 0.00001 and 0.00002; TOPMed 0.00001.
gnomAD v4.1: 8 of 1,210,209 alleles (0.00066%); highest among the groups gnomAD compares: Non-Finnish European, 0.00078%; no homozygotes.

Submissions (2):

Labcorp Genetics (formerly Invitae), Labcorp
Classification: Uncertain significance for Oto-palato-digital syndrome, type II; Heterotopia, periventricular, X-linked dominant; Frontometaphyseal dysplasia; Melnick-Needles syndrome. Last evaluated: 2025-09-03. Review status: criteria provided, single submitter. Criteria: Invitae Variant Classification Sherloc (09022015). Collection method: clinical testing. Allele origin: germline.
Comment: This sequence change replaces serine, which is neutral and polar, with leucine, which is neutral and non-polar, at codon 2455 of the FLNA protein (p.Ser2455Leu). This variant is not present in population databases (gnomAD no frequency). This variant has not been reported in the literature in individuals affected with FLNA-related conditions. ClinVar contains an entry for this variant (Variation ID: 566993). Invitae Evidence Modeling of protein sequence and biophysical properties (such as structural, functional, and spatial information, amino acid conservation, physicochemical variation, residue mobility, and thermodynamic stability) indicates that this missense variant is not expected to disrupt FLNA protein function with a negative predictive value of 95%. In summary, the available evidence is currently insufficient to determine the role of this variant in disease. Therefore, it has been classified as a Variant of Uncertain Significance.

Ambry Genetics
Classification: Uncertain significance for Familial thoracic aortic aneurysm and aortic dissection. Last evaluated: 2018-06-22. Review status: criteria provided, single submitter. Criteria: Ambry Variant Classification Scheme 2023. Collection method: clinical testing. Allele origin: germline.
Comment: The p.S2455L variant (also known as c.7364C>T), located in coding exon 44 of the FLNA gene, results from a C to T substitution at nucleotide position 7364. The serine at codon 2455 is replaced by leucine, an amino acid with dissimilar properties. This amino acid position is not well conserved in available vertebrate species. In addition, the in silico prediction for this alteration is inconclusive. Since supporting evidence is limited at this time, the clinical significance of this alteration remains unclear.